The following is an entry in ClinVar:

NM_022336.4(EDAR):c.730+1G>T

Genes: EDAR (ectodysplasin A receptor; minus strand), RANBP2 (RAN binding protein 2; plus strand). Cytogenetic location: 2q13.
Variant type: single nucleotide variant.
Coding change: c.730+1G>T on transcript NM_022336.4 (MANE Select); the canonical splice donor site of the intron after coding-DNA position 730, G replaced by T.
Molecular consequence: splice donor variant.
Genome position (GRCh38, 1-based): chr2:108,910,775, C>A on the plus strand (G>T on the coding strand, the complement: EDAR is on the minus strand). VCF-style: chr2-108910775-C-A. GRCh37 (hg19) VCF-style: chr2-109527231-C-A.
Identifiers: ClinVar variation 3391811 (VCV003391811.3).

ClinVar aggregate classification (germline): Pathogenic/Likely pathogenic. Review status: criteria provided, multiple submitters, no conflicts (2 of 4 stars). 3 submissions from 3 submitters: Pathogenic (2); Likely pathogenic (1). Last evaluated 2024-11-20.

Conditions:
Ectodermal dysplasia 10B, hypohidrotic/hair/tooth type, autosomal recessive. Also called: Ectodermal Dysplasia, Hypohidrotic, Autosomal Recessive; Ectodermal dysplasia 10B, hypohidrotic/hair/tooth type, autosomal. Identifiers: Orphanet 238468, Orphanet 248, MedGen C3887494, MONDO:0009147, OMIM 224900.

Submissions (3):

Palindrome, Gene Kavoshgaran Aria
Classification: Pathogenic for Ectodermal dysplasia 10B, hypohidrotic/hair/tooth type, autosomal recessive. Last evaluated: 2024-11-20. Review status: criteria provided, single submitter. Criteria: ACMG Guidelines, 2015. Collection method: clinical testing. Allele origin: germline. Inheritance: Autosomal recessive inheritance. Affected: yes. Observed: 1 homozygote.

Dr. Oladnabi Research Group, Golestan University of Medical Sciences
Classification: Pathogenic for Ectodermal dysplasia 10B, hypohidrotic/hair/tooth type, autosomal recessive. Review status: criteria provided, single submitter. Criteria: ACMG Guidelines, 2015. Collection method: research. Allele origin: germline. Inheritance: Autosomal recessive inheritance. Affected: yes.
Comment: The EDAR variant (c.730+1G>T) affects the canonical splice donor site of intron 7, which is predicted to result in abnormal splicing and subsequent loss of normal protein function. According to ACMG guidelines, this variant is classified as pathogenic, supported by PVS1 (Very Strong)—as it disrupts an essential splice site in EDAR, a gene where loss of function is a known disease mechanism; PS4 (Strong)—because the variant has been identified in multiple unrelated individuals affected by Hypohidrotic Ectodermal Dysplasia 10B with Tooth Agenesis; PM2 (Moderate)—as it is absent or extremely rare in large population databases such as gnomAD; and PP5 (Supporting)—as it has been reported as pathogenic in reputable clinical variant databases.

Kariminejad - Najmabadi Pathology & Genetics Center
Classification: Likely pathogenic for Ectodermal dysplasia 10B, hypohidrotic/hair/tooth type, autosomal recessive. Review status: criteria provided, single submitter. Criteria: ACMG Guidelines, 2015. Collection method: clinical testing. Allele origin: germline. Affected: no.

Literature cited by the submitters: NCBI Bookshelf NBK1112 (cited by Dr. Oladnabi Research Group, Golestan University of Medical Sciences).